The following is an entry in ClinVar:

ClinVar aggregate classification (germline): Pathogenic (1 of 4 stars; one submission).

Submission:

GeneDx
Classification: Pathogenic. Last evaluated: 2019-12-13. Review status: criteria provided, single submitter. Criteria: GeneDx Variant Classification Process June 2021. Collection method: clinical testing. Allele origin: germline. Affected: yes.
Comment: Parent of origin not determined for this de novo variant in the MAGEL2 imprinted gene; Not observed in large population cohorts (Lek et al., 2016); Has not been previously published as pathogenic or benign to our knowledge; Frameshift variant in the C-terminus predicted to result in protein truncation, as the last 226 amino acids are lost and replaced with 8 incorrect amino acids (Stenson et al., 2014); This variant is associated with the following publications: (PMID: 30302899)

NM_019066.5(MAGEL2):c.3070del (p.Ala1024fs)

Gene: MAGEL2 (MAGE family member L2; minus strand). Cytogenetic location: 15q11.2.
Variant type: Deletion.
Coding change: c.3070del on transcript NM_019066.5 (MANE Select); coding-DNA position 3070, one base deleted (G; older notation c.3070delG).
Protein change: p.Ala1024fs; shifts the reading frame from alanine 1024.
Molecular consequence: frameshift variant.
Genome position (GRCh38, 1-based): chr15:23,644,673, C deleted on the plus strand (G on the coding strand, the reverse complement: MAGEL2 is on the minus strand); the first of 3 consecutive C bases (chr15:23,644,673-23,644,675); deleting any one gives the same sequence. VCF-style (leftmost placement, unchanged base first): chr15-23644672-GC-G. GRCh37 (hg19) VCF-style: chr15-23889819-GC-G.
Other names: c.3070delG (NM_019066.4); short protein forms A1024fs.
Identifiers: ClinVar variation 817738 (VCV000817738.2), dbSNP rs1595331599, ClinGen allele CA915946486.
Genomic context (GRCh38, chr15:23,644,672, plus strand): 5'-GAGCGCTGGACAGGCACCTTGGCTTGGTCCTTGACTAAGAGGAACTGCACCAACGCATTT[GC>G]CCTCTCATCCAAGGGAGACAAGGGCTGTGCCTCCACCTTGGAATTATCCTGGGTGGCACT-3'